The following is an entry in ClinVar:

NM_000256.3(MYBPC3):c.110G>A (p.Gly37Glu)

Gene: MYBPC3 (myosin binding protein C3; minus strand). Cytogenetic location: 11p11.2.
Variant type: single nucleotide variant.
Coding change: c.110G>A on transcript NM_000256.3 (MANE Select); coding-DNA position 110, G replaced by A.
Protein change: p.Gly37Glu; replaces glycine 37 with glutamic acid.
Molecular consequence: missense variant.
Genome position (GRCh38, 1-based): chr11:47,351,421, C>T on the plus strand (G>A on the coding strand, the complement: MYBPC3 is on the minus strand). VCF-style: chr11-47351421-C-T. GRCh37 (hg19) VCF-style: chr11-47372972-C-T.
Other names: c.110G>A, p.Gly37Glu (LRG_386t1); short protein forms G37E.
Identifiers: ClinVar variation 426494 (VCV000426494.6), dbSNP rs1085307653, ClinGen allele CA380341909.

ClinVar aggregate classification (germline): Uncertain significance. Review status: criteria provided, multiple submitters, no conflicts (2 of 4 stars). 3 submissions from 3 submitters: Uncertain significance (3). Last evaluated 2025-09-13.

Conditions:
Hypertrophic cardiomyopathy. Also called: HYPERTROPHIC MYOCARDIOPATHY. Identifiers: Orphanet 217569, MedGen C0007194, MeSH D002312, MONDO:0005045, HP:0001639.
Cardiomyopathy (CMYO). Also called: Cardiomyopathies. Identifiers: Orphanet 167848, MedGen C0878544, MONDO:0004994, HP:0001638. Inheritance: Various modes of inheritance.

Allele frequency attached by ClinVar (database versions not stated): TOPMed below 0.00001.

Submissions (3):

Color Diagnostics, LLC DBA Color Health
Classification: Uncertain significance for Cardiomyopathy. Last evaluated: 2025-09-13. Review status: criteria provided, single submitter. Criteria: ACMG Guidelines, 2015. Collection method: clinical testing. Allele origin: germline.
Comment: This missense variant replaces glycine with glutamic acid at codon 37 of the MYBPC3 protein. Computational prediction suggests that this variant may not impact protein structure and function. To our knowledge, functional studies have not been reported for this variant. This variant has not been reported in individuals affected with MYBPC3-related disorders in the literature. This variant has not been identified in the general population by the Genome Aggregation Database (gnomAD). The available evidence is insufficient to determine the role of this variant in disease conclusively. Therefore, this variant is classified as a Variant of Uncertain Significance.

Labcorp Genetics (formerly Invitae), Labcorp
Classification: Uncertain significance for Hypertrophic cardiomyopathy. Last evaluated: 2024-11-26. Review status: criteria provided, single submitter. Criteria: Invitae Variant Classification Sherloc (09022015). Collection method: clinical testing. Allele origin: germline.
Comment: This sequence change replaces glycine, which is neutral and non-polar, with glutamic acid, which is acidic and polar, at codon 37 of the MYBPC3 protein (p.Gly37Glu). This variant is not present in population databases (gnomAD no frequency). This missense change has been observed in individual(s) with hypertrophic cardiomyopathy (PMID: 37652022). ClinVar contains an entry for this variant (Variation ID: 426494). An algorithm developed to predict the effect of missense changes on protein structure and function (PolyPhen-2) suggests that this variant is likely to be disruptive. In summary, the available evidence is currently insufficient to determine the role of this variant in disease. Therefore, it has been classified as a Variant of Uncertain Significance.

GeneDx
Classification: Uncertain significance. Last evaluated: 2024-05-09. Review status: criteria provided, single submitter. Criteria: GeneDx Variant Classification Process June 2021. Collection method: clinical testing. Allele origin: germline. Affected: yes.
Comment: Identified in an individual with cardiomyopathy and classified as a variant of uncertain significance (PMID: 37652022); Not observed at significant frequency in large population cohorts (gnomAD); In silico analysis supports that this missense variant has a deleterious effect on protein structure/function; This variant is associated with the following publications: (PMID: 37652022)

Literature cited by the submitters: PubMed 37652022 (cited by Labcorp Genetics (formerly Invitae), Labcorp).